The following is an entry in ClinVar:

NC_000011.9:g.(116720000_116728525)_(116730321_116731989)del

Gene: SIK3 (SIK family kinase 3; minus strand). Cytogenetic location: 11q23.3.
Variant type: Deletion.
Identifiers: ClinVar variation 3385060 (VCV003385060.1).

ClinVar aggregate classification (germline): Uncertain significance (1 of 4 stars; one submission).

Submission:

Women's Health and Genetics/Laboratory Corporation of America, LabCorp
Classification: Uncertain significance. Last evaluated: 2024-10-28. Review status: criteria provided, single submitter. Criteria: LabCorp Variant Classification Summary - May 2015. Collection method: clinical testing. Allele origin: germline.
Comment: Variant summary: The variant involves the deletion of exons 20-21 in the SIK3 gene. A presumed nomenclature of c.(2425+1_2426-1)_(3655+1_3656-1)del has been designated for the purposes of this classification. Current evidence is not sufficient to establish loss of function as a mechanism for disease. The variant was absent in 21694 control chromosomes. The available data on variant occurrences in the general population are insufficient to allow any conclusion about variant significance. To our knowledge, no occurrence of c.(2425+1_2426-1)_(3655+1_3656-1)del in individuals affected with Spondyloepimetaphyseal Dysplasia, Krakow Type and no experimental evidence demonstrating its impact on protein function have been reported. No submitters have cited clinical-significance assessments for this variant to ClinVar. Based on the evidence outlined above, the variant was classified as uncertain significance.